The following is an entry in ClinVar:

ClinVar aggregate classification (germline): Likely benign. Review status: reviewed by expert panel (3 of 4 stars). 3 submissions from 3 submitters: Likely benign (1). 2 of the submissions do not count toward it. Last evaluated 2026-08-27.

Conditions:
Hereditary breast ovarian cancer syndrome. Also called: Breast and ovarian cancer; Hereditary breast and/or ovarian cancer syndrome; BRCA1- and BRCA2-Associated Hereditary Breast and Ovarian Cancer; Hereditary breast and ovarian cancer syndrome; Hereditary breast and ovarian cancer syndrome (HBOC); Hereditary breast and ovarian cancer. Identifiers: Orphanet 145, MedGen C0677776, MeSH D061325, MONDO:0003582. Disease mechanism: loss of function.
BRCA1-related cancer predisposition. Identifiers: MedGen CN377757, MONDO:0700268.
Hereditary cancer-predisposing syndrome. Also called: Tumor predisposition; Hereditary Cancer Syndrome; Hereditary neoplastic syndrome; Neoplastic Syndromes, Hereditary. Identifiers: Orphanet 140162, MedGen C0027672, MeSH D009386, MONDO:0015356.

Allele frequency attached by ClinVar (database versions not stated): gnomAD exomes below 0.00001.
gnomAD v4.1: 2 of 1,614,064 alleles (0.00012%); highest among the groups gnomAD compares: Non-Finnish European, 0.00017%; no homozygotes.

Submissions (4):

ClinGen ENIGMA BRCA1 and BRCA2 Variant Curation Expert Panel, ClinGen
Classification: Likely benign for BRCA1-related cancer predisposition. Last evaluated: 2026-08-27. Review status: reviewed by expert panel. Criteria: CSpec BRCA1/2ACMG Rules Specifications V1.2. Collection method: curation. Allele origin: germline. Inheritance: Autosomal dominant inheritance.
Comment: The c.5215G>A variant in BRCA1 is a missense variant predicted to cause substitution of aspartic acid by asparagine at amino acid 1739 (p.(Asp1739Asn)). The Total GrpMax filtering allele frequency (the lower threshold of the 95% CI) in gnomAD v4.1 is 0.00000028 in the Non-Finnish European genetic ancestry group (based on 2/1179954 alleles) which is below the ENIGMA BRCA1/2 VCEP threshold (>0.00002) for BS1_Supporting and does not meet any population code (BA1, BS1, BS1_Supporting, PM2_Supporting are not met). This BRCA1 missense variant is within a key functional domain and the computational predictor BayesDel (noAF) gives a score of 0.132302, which is below the recommended threshold of 0.15 for predicting no impact on BRCA1 via protein change. A SpliceAI score of 0.00 predicts no impact on splicing (score threshold ≤0.1) (BP4 met). Reported by two calibrated studies to exhibit protein function similar to benign control variants (PMID: 30209399, 38709234) (BS3 met). Multifactorial likelihood ratio analyses using clinically calibrated data produced a combined LR for this variant of 9.16 (based on family history LR=2.91, and the tumor pathology of a second individual, LR=3.16) within the thresholds for moderate evidence towards pathogenicity (LR ≥4.3 & <18.7) (PMID: 31853058, Internal lab contributor) (PP4_Moderate met). In summary, this variant meets the criteria to be classified as a Likely benign variant for BRCA1-related cancer predisposition based on the ACMG/AMP criteria applied as specified by the ENIGMA BRCA1/2 VCEP (BS3, BP4, PP4_Moderate).

Labcorp Genetics (formerly Invitae), Labcorp
Classification: Likely pathogenic for Hereditary breast ovarian cancer syndrome. Last evaluated: 2024-05-22. Review status: criteria provided, single submitter. Criteria: Invitae Variant Classification Sherloc (09022015). Collection method: clinical testing. Allele origin: germline. Not counted in ClinVar's aggregate classification.
Comment: This sequence change replaces aspartic acid, which is acidic and polar, with asparagine, which is neutral and polar, at codon 1739 of the BRCA1 protein (p.Asp1739Asn). This variant is not present in population databases (gnomAD no frequency). This variant has not been reported in the literature in individuals affected with BRCA1-related conditions. ClinVar contains an entry for this variant (Variation ID: 479223). Advanced modeling performed at Invitae incorporating data from internal and/or published experimental studies (PMID: 30209399) indicates that this missense variant is not expected to disrupt BRCA1 function with a negative predictive value of 95%. Experimental studies have shown that this missense change does not substantially affect BRCA1 function (PMID: 30209399, 30765603). This variant disrupts the p.Asp1739 amino acid residue in BRCA1. Other variant(s) that disrupt this residue have been determined to be pathogenic (PMID: 9333265, 10200350, 12827452, 15800311, 19491284, 19949876). This suggests that this residue is clinically significant, and that variants that disrupt this residue are likely to be disease-causing. In summary, the currently available evidence indicates that the variant is pathogenic, but additional data are needed to prove that conclusively. Therefore, this variant has been classified as Likely Pathogenic.

Ambry Genetics
Classification: Likely benign for Hereditary cancer-predisposing syndrome. Last evaluated: 2021-05-20. Review status: criteria provided, single submitter. Criteria: Ambry Variant Classification Scheme 2023. Collection method: clinical testing. Allele origin: germline. Not counted in ClinVar's aggregate classification.

Brotman Baty Institute, University of Washington
No classification provided (evidence only). Condition: Breast-ovarian cancer, familial 1. Review status: no classification provided. Collection method: in vitro. Allele origin: not applicable. Functional consequence: functionally_normal. Not counted in ClinVar's aggregate classification.
ClinVar note: "not provided" was previously submitted as the classification for the variant. However, the classification appeared to be based only on an observation of functional data so it was converted to no classification on 2025-07-30.

Literature cited by the submitters: PubMed 30209399 (cited by Labcorp Genetics (formerly Invitae), Labcorp and Ambry Genetics); PubMed 30765603 (cited by Labcorp Genetics (formerly Invitae), Labcorp and Ambry Genetics); PubMed 9333265 (cited by Labcorp Genetics (formerly Invitae), Labcorp); PubMed 10200350 (cited by Labcorp Genetics (formerly Invitae), Labcorp); PubMed 12827452 (cited by Labcorp Genetics (formerly Invitae), Labcorp); PubMed 15800311 (cited by Labcorp Genetics (formerly Invitae), Labcorp); PubMed 19491284 (cited by Labcorp Genetics (formerly Invitae), Labcorp); PubMed 19949876 (cited by Labcorp Genetics (formerly Invitae), Labcorp); PubMed 32257056 (cited by Ambry Genetics).

NM_007294.4(BRCA1):c.5215G>A (p.Asp1739Asn)

Gene: BRCA1 (BRCA1 DNA repair associated; minus strand). Cytogenetic location: 17q21.31.
Variant type: single nucleotide variant.
Coding change: c.5215G>A on transcript NM_007294.4 (MANE Select); coding-DNA position 5215, G replaced by A.
Protein change: p.Asp1739Asn; replaces aspartic acid 1739 with asparagine.
Molecular consequence: missense variant. On other transcripts: non-coding transcript variant (1).
Genome position (GRCh38, 1-based): chr17:43,057,114, C>T on the plus strand (G>A on the coding strand, the complement: BRCA1 is on the minus strand). VCF-style: chr17-43057114-C-T. GRCh37 (hg19) VCF-style: chr17-41209131-C-T.
Other names: NM_007294.4(BRCA1):c.5215G>A; p.Asp1739Asn; c.5002G>A, p.Asp1668Asn (NM_001407571.1, NM_001407894.1, NM_001407895.1 and 12 more transcripts); c.5281G>A, p.Asp1761Asn (NM_001407581.1, NM_001407582.1); c.5278G>A, p.Asp1760Asn (NM_001407583.1, NM_001407585.1, NM_001407587.1 and 1 more transcripts); c.5275G>A, p.Asp1759Asn (NM_001407590.1, NM_001407591.1); c.5215G>A, p.Asp1739Asn (NM_001407593.1, NM_001407594.1, NM_001407596.1 and 7 more transcripts); c.5212G>A, p.Asp1738Asn (NM_001407610.1, NM_001407611.1, NM_001407612.1 and 17 more transcripts); and 74 more; short protein forms D1739N, D1692N, D1760N, D635N, D1442N, D1690N, D1696N, D1698N.
Identifiers: ClinVar variation 479223 (VCV000479223.18), dbSNP rs80357283, ClinGen allele CA10591111.